The following is an entry in ClinVar:

NM_005562.3(LAMC2):c.651_654del (p.Trp218fs)

Gene: LAMC2 (laminin subunit gamma 2; plus strand). Cytogenetic location: 1q25.3.
Variant type: Deletion.
Coding change: c.651_654del on transcript NM_005562.3 (MANE Select); coding-DNA positions 651 to 654, 4 bases deleted (CTGG; older notation c.651_654delCTGG).
Protein change: p.Trp218fs; shifts the reading frame from tryptophan 218.
Molecular consequence: frameshift variant.
Genome position (GRCh38, 1-based): chr1:183,222,099-183,222,102, CTGG deleted; deleting any 4 consecutive bases within chr1:183,222,096-183,222,102 gives the same sequence; the c. name uses the placement nearest the transcript's 3' end. VCF-style (leftmost placement, unchanged base first): chr1-183222095-ATGGC-A. GRCh37 (hg19) VCF-style: chr1-183191230-ATGGC-A.
Other names: c.651_654del, p.Trp218fs (NM_018891.3); short protein forms W218fs.
Identifiers: ClinVar variation 1724214 (VCV001724214.2), dbSNP rs2526037706, ClinGen allele CA2580061598.

ClinVar aggregate classification (germline): Likely pathogenic (1 of 4 stars; one submission).

Conditions:
Junctional epidermolysis bullosa gravis of Herlitz. Also called: EPIDERMOLYSIS BULLOSA JUNCTIONALIS, HERLITZ TYPE; EPIDERMOLYSIS BULLOSA, JUNCTIONAL, HERLITZ-PEARSON TYPE; JEB-HERLITZ TYPE; EPIDERMOLYSIS BULLOSA, JUNCTIONAL 1B, SEVERE; Epidermolysis Bullosa Letalis; Herlitz-type junctional epidermolysis bullosa. Identifiers: Orphanet 79404, MedGen C0079683, MONDO:0009182, OMIM 226700.

Submission:

Myriad Genetics, Inc.
Classification: Likely pathogenic for Junctional epidermolysis bullosa gravis of Herlitz. Last evaluated: 2022-02-02. Review status: criteria provided, single submitter. Criteria: Myriad Women's Health Autosomal Recessive and X-Linked Classification Criteria (2021). Collection method: clinical testing. Allele origin: unknown.
Comment: NM_005562.2(LAMC2):c.651_654delCTGG(W218Rfs*28) is expected to be pathogenic in the context of junctional epidermolysis bullosa, LAMC2-related. This variant is predicted to lead to an abnormal or absent protein product due to the creation of a premature termination codon in LAMC2, a gene where loss-of-function variants are known to be pathogenic. Please note: this variant was assessed in the context of healthy population screening.